The following is an entry in ClinVar:

NM_000419.5(ITGA2B):c.1520C>G (p.Pro507Arg)

Gene: ITGA2B (integrin subunit alpha 2b; minus strand). Cytogenetic location: 17q21.31.
Variant type: single nucleotide variant.
Coding change: c.1520C>G on transcript NM_000419.5 (MANE Select); coding-DNA position 1520, C replaced by G.
Protein change: p.Pro507Arg; replaces proline 507 with arginine.
Molecular consequence: missense variant.
Genome position (GRCh38, 1-based): chr17:44,380,410, G>C on the plus strand (C>G on the coding strand, the complement: ITGA2B is on the minus strand). VCF-style: chr17-44380410-G-C. GRCh37 (hg19) VCF-style: chr17-42457778-G-C.
Other names: NM_000419.5:c.1520C>G; short protein forms P507R.
Identifiers: ClinVar variation 1330325 (VCV001330325.2), dbSNP rs2143461368, ClinGen allele CA399802643.

ClinVar aggregate classification (germline): Uncertain significance (3 of 4 stars; one submission).

Conditions:
Glanzmann thrombasthenia. Also called: THROMBASTHENIA OF GLANZMANN AND NAEGELI; BLEEDING DISORDER, PLATELET-TYPE, 2; Thrombasthenia; PLATELET GLYCOPROTEIN IIb-IIIa DEFICIENCY; Glanzmann's thrombasthenia. Identifiers: Orphanet 849, MedGen C0040015, MONDO:0100326.

Submission:

ClinGen Platelet Disorders Variant Curation Expert Panel, ClinGen
Classification: Uncertain significance for Glanzmann thrombasthenia. Last evaluated: 2024-09-05. Review status: reviewed by expert panel. Criteria: ClinGen Platelet ACMG Specifications v2-1. Collection method: curation. Allele origin: germline. Inheritance: Autosomal recessive inheritance.
Comment: The ITGA2B missense variant NM_000419.5:c.1520C>G replaces the proline residue with an arginine residue (p.Pro507Arg). This variant has been observed in homozygosity (PM3_supporting) in one individual with a phenotype specific for Glanzmann's thrombasthenia (GT) (GT43, PMID: 16463284). All requirements for PP4_moderate are met (GT43 in PMID: 16463284): history of bleeding and impaired aggregation to at least two agonists, but normal or only mildly reduced agglutination with ristocetin. This variant is absent from gnomADv4.1.0 (PM2_supporting). The in silico meta-predictor REVEL score for this variant is 0.224, below the VCEP-established threshold of <0.25 and suggestive of no damaging effect on protein function (BP4). In summary, this variant is of uncertain significance and lacks sufficient evidence to be classified as pathogenic or benign for GT. GT-specific criteria applied: PP4_Moderate, PM2_Supporting, PM3_Supporting, and BP4.